The following is an entry in ClinVar:

NM_183374.3(CYP26C1):c.1056C>A (p.Cys352Ter)

Gene: CYP26C1 (cytochrome P450 family 26 subfamily C member 1; plus strand). Cytogenetic location: 10q23.33.
Variant type: single nucleotide variant.
Coding change: c.1056C>A on transcript NM_183374.3 (MANE Select); coding-DNA position 1056, C replaced by A.
Protein change: p.Cys352Ter; replaces cysteine 352 with a stop codon.
Molecular consequence: nonsense.
Genome position (GRCh38, 1-based): chr10:93,066,150, C>A. VCF-style: chr10-93066150-C-A. GRCh37 (hg19) VCF-style: chr10-94825907-C-A.
Other names: short protein forms C352*.
Identifiers: ClinVar variation 4845661 (VCV004845661.1).

ClinVar aggregate classification (germline): Likely pathogenic (1 of 4 stars; one submission).

Conditions:
Focal facial dermal dysplasia type IV. Also called: Focal facial dermal dysplasia 4. Identifiers: Orphanet 398166, Orphanet 398189, MedGen C3554246, MONDO:0013997, OMIM 614974.

Submission:

First Genomix Gene Laboratory, Genetic Diagnostics Department
Classification: Likely pathogenic for Focal facial dermal dysplasia type IV. Last evaluated: 2025-01-10. Review status: criteria provided, single submitter. Criteria: ACMG Guidelines, 2015. Collection method: clinical testing. Allele origin: germline. Inheritance: Autosomal recessive inheritance. Affected: no. Observed: 1 variant allele.